The following is an entry in ClinVar:

ClinVar aggregate classification (germline): Uncertain significance (1 of 4 stars; one submission).

gnomAD v4.1: 2 of 1,612,390 alleles (0.00012%); highest among the groups gnomAD compares: Middle Eastern, 0.016%; no homozygotes.

Submission:

GeneDx
Classification: Uncertain significance. Last evaluated: 2025-07-07. Review status: criteria provided, single submitter. Criteria: GeneDx Variant Classification Process June 2021. Collection method: clinical testing. Allele origin: germline. Affected: yes.
Comment: Not observed at significant frequency in large population cohorts (gnomAD); In silico analysis suggests that this missense variant does not alter protein structure/function; Has not been previously published as pathogenic or benign to our knowledge

NM_015340.4(LARS2):c.2201C>G (p.Ser734Cys)

Gene: LARS2 (leucyl-tRNA synthetase 2, mitochondrial; plus strand). Cytogenetic location: 3p21.31.
Variant type: single nucleotide variant.
Coding change: c.2201C>G on transcript NM_015340.4 (MANE Select); coding-DNA position 2201, C replaced by G.
Protein change: p.Ser734Cys; replaces serine 734 with cysteine.
Molecular consequence: missense variant.
Genome position (GRCh38, 1-based): chr3:45,518,059, C>G. VCF-style: chr3-45518059-C-G. GRCh37 (hg19) VCF-style: chr3-45559551-C-G.
Other names: c.2201C>G, p.Ser734Cys (NM_001368263.1); short protein forms S734C.
Identifiers: ClinVar variation 4685168 (VCV004685168.1).